The following is an entry in ClinVar:

NM_014679.5(CEP57):c.1376C>A (p.Thr459Asn)

Gene: CEP57 (centrosomal protein 57; plus strand). Cytogenetic location: 11q21.
Variant type: single nucleotide variant.
Coding change: c.1376C>A on transcript NM_014679.5 (MANE Select); coding-DNA position 1376, C replaced by A.
Protein change: p.Thr459Asn; replaces threonine 459 with asparagine.
Molecular consequence: missense variant.
Genome position (GRCh38, 1-based): chr11:95,831,129, C>A. VCF-style: chr11-95831129-C-A. GRCh37 (hg19) VCF-style: chr11-95564293-C-A.
Other names: c.1178C>A, p.Thr393Asn (NM_001440877.1, NM_001440878.1); c.1151C>A, p.Thr384Asn (NM_001440879.1); c.1115C>A, p.Thr372Asn (NM_001440880.1); c.1079C>A, p.Thr360Asn (NM_001440881.1); c.1073C>A, p.Thr358Asn (NM_001440882.1); c.1349C>A, p.Thr450Asn (NM_001243776.2); c.1298C>A, p.Thr433Asn (NM_001243777.2); c.1295C>A, p.Thr432Asn (NM_001363604.2, NM_001440869.1, NM_001440870.1); and 6 more; short protein forms T372N, T394N, T396N, T420N, T450N, T358N, T360N, T384N.
Identifiers: ClinVar variation 4826395 (VCV004826395.1).
Genomic context (GRCh38, chr11:95,831,129, plus strand): 5'-CTACCAAAAAGACTCTTGATGAAGAAAGAAACAGCAGCAGCCGTTCTGGAATCACAGGGA[C>A]CACAAATAAGAAAGATTTTATGAAACTGAGACCTGGAGAAAAAAGGAGAAAAAATCTTCA-3'
Protein context (NP_055494.2, residues 449-469): NSSSRSGITG[Thr459Asn]TNKKDFMKLR

ClinVar aggregate classification (germline): Uncertain significance (1 of 4 stars; one submission).

Conditions:
Inborn genetic diseases. Identifiers: MedGen C0950123, MeSH D030342.

Submission:

Ambry Genetics
Classification: Uncertain significance for Inborn genetic diseases. Last evaluated: 2026-03-11. Review status: criteria provided, single submitter. Criteria: Ambry Variant Classification Scheme 2023. Collection method: clinical testing. Allele origin: germline.
Comment: The p.T459N variant (also known as c.1376C>A), located in coding exon 11 of the CEP57 gene, results from a C to A substitution at nucleotide position 1376. The threonine at codon 459 is replaced by asparagine, an amino acid with similar properties. This amino acid position is conserved. In addition, this alteration is predicted to be tolerated by in silico analysis. Based on the available evidence, the clinical significance of this variant remains unclear.